The following is an entry in ClinVar:

NM_002485.5(NBN):c.481-2A>T

Gene: NBN (nibrin; minus strand). Cytogenetic location: 8q21.3.
Variant type: single nucleotide variant.
Coding change: c.481-2A>T on transcript NM_002485.5 (MANE Select); the canonical splice acceptor site of the intron before coding-DNA position 481, A replaced by T.
Molecular consequence: splice acceptor variant.
Genome position (GRCh38, 1-based): chr8:89,978,325, T>A on the plus strand (A>T on the coding strand, the complement: NBN is on the minus strand). VCF-style: chr8-89978325-T-A. GRCh37 (hg19) VCF-style: chr8-90990553-T-A.
Other names: c.235-2A>T (NM_001024688.3).
Identifiers: ClinVar variation 451148 (VCV000451148.33), dbSNP rs751567476, ClinGen allele CA4802955.
Genomic context (GRCh38, chr8:89,978,325, plus strand): 5'-AATTCAGTAAAATATTCTGGCTTTACAATTGGACGTCCACAAATGAGTGCACATATTGTC[T>A]ACAATGAAGAAAACATGTGAATATATATATTCACATGCTAGCATTTTTTAAAGAAAAGTT-3'

ClinVar aggregate classification (germline): Pathogenic/Likely pathogenic. Review status: criteria provided, multiple submitters, no conflicts (2 of 4 stars). 10 submissions from 10 submitters: Pathogenic (1); Likely pathogenic (9). Last evaluated 2025-11-17.

Conditions:
Hereditary cancer-predisposing syndrome. Also called: Tumor predisposition; Hereditary Cancer Syndrome; Neoplastic Syndromes, Hereditary; Hereditary neoplastic syndrome. Identifiers: Orphanet 140162, MedGen C0027672, MeSH D009386, MONDO:0015356.
Aplastic anemia. Identifiers: Orphanet 182040, Orphanet 88, MedGen C0002874, MONDO:0015909, OMIM 609135, HP:0001915.
Microcephaly, normal intelligence and immunodeficiency (NBS). Also called: Immunodeficiency, microcephaly with normal intelligence; Ataxia telangiectasia variant V1; IMMUNODEFICIENCY, MICROCEPHALY, AND CHROMOSOMAL INSTABILITY; BERLIN BREAKAGE SYNDROME; SEEMANOVA SYNDROME II; Nijmegen breakage syndrome. Identifiers: Orphanet 647, MedGen C0398791, MONDO:0009623, OMIM 251260.
Acute lymphoid leukemia (ALL). Also called: Lymphoblastic leukemia; Acute lymphoblastic leukemia; Acute lymphocytic leukemia; Leukemia, acute lymphoblastic, somatic. Identifiers: Orphanet 513, MedGen C0023449, MONDO:0004967, OMIM 613065, HP:0006721.

Allele frequency attached by ClinVar (database versions not stated): ExAC 0.00001; gnomAD exomes 0.00001.
gnomAD v4.1: 7 of 1,582,802 alleles (0.00044%); highest among the groups gnomAD compares: Non-Finnish European, 0.00043%; no homozygotes.

Submissions (10):

Women's Health and Genetics/Laboratory Corporation of America, LabCorp
Classification: Likely pathogenic for Microcephaly, normal intelligence and immunodeficiency. Last evaluated: 2025-11-17. Review status: criteria provided, single submitter. Criteria: LabCorp Variant Classification Summary - May 2015. Collection method: clinical testing. Allele origin: germline.
Comment: Variant summary: NBN c.481-2A>T is located in a canonical splice-site and is predicted to affect mRNA splicing resulting in a significantly altered protein due to either exon skipping, shortening, or inclusion of intronic material. Variants that disrupt the consensus splice site are a relatively common cause of aberrant splicing and loss of NBN function. Several computational tools predict a significant impact on normal splicing: Four predict the variant abolishes a 3' acceptor site. Internal RNA splicing experimental evidence suggests that this variant affects mRNA splicing leading to skipping of exon 5, predicted to result in a frameshift expected to result in nonsense mediated decay (Labcorp Genetics (formerly Invitae)). The variant allele was found at a frequency of 1.2e-05 in 250980 control chromosomes. c.481-2A>T has been observed in the homozygous state in at least 1 adult individual(s) affected with various cancers. These report(s) do not provide unequivocal conclusions about association of the variant with Nijmegen Breakage Syndrome. The following publications have been ascertained in the context of this evaluation (PMID: 38924040, 29922827, 36982687, 36346689). ClinVar contains an entry for this variant (Variation ID: 451148). Based on the evidence outlined above, the variant was classified as likely pathogenic.

Natera, Inc.
Classification: Likely pathogenic for Nijmegen breakage syndrome. Last evaluated: 2025-09-12. Review status: criteria provided, single submitter. Criteria: Natera Variant Classification Schema (03/2026). Collection method: clinical testing. Allele origin: germline.
Comment: The c.481-2A>T variant in NBN is a canonical splice acceptor site variant predicted to affect pre-mRNA splicing, which may result in an abnormal transcript and altered protein product. This variant is expected to result in nonsense mediated decay, truncation, or a dysfunctional protein product. This variant is rare in the general population with a frequency below the threshold expected for the associated phenotype(s). Given the available evidence, this variant is classified as Likely Pathogenic.

Labcorp Genetics (formerly Invitae), Labcorp
Classification: Pathogenic for Microcephaly, normal intelligence and immunodeficiency. Last evaluated: 2025-07-31. Review status: criteria provided, single submitter. Criteria: Invitae Variant Classification Sherloc (09022015). Collection method: clinical testing. Allele origin: germline.
Comment: This sequence change affects an acceptor splice site in intron 4 of the NBN gene. RNA analysis indicates that disruption of this splice site induces altered splicing and may result in an absent or altered protein product. This variant is present in population databases (rs751567476, gnomAD 0.02%). This variant has not been reported in the literature in individuals affected with NBN-related conditions. ClinVar contains an entry for this variant (Variation ID: 451148). Studies have shown that disruption of this splice site results in skipping of exon 5, and produces a non-functional protein and/or introduces a premature termination codon (internal data). For these reasons, this variant has been classified as Pathogenic.

Genetic Services Laboratory, University of Chicago
Classification: Likely pathogenic. Last evaluated: 2024-10-25. Review status: criteria provided, single submitter. Criteria: ACMG Guidelines, 2015. Collection method: clinical testing. Allele origin: germline. Affected: yes.
Comment: DNA sequence analysis of the NBN gene demonstrated a sequence change in the canonical splice acceptor site of intron 4, c.481-2A>T. This sequence change does not appear to have been previously described in individuals with NBN-related disorders. This sequence change has been described in the gnomAD database with a frequency of 0.00044% (dbSNP rs751567476). This sequence change has previously been described in an individual with prostate cancer (PMID: 32832836). Other truncating variants have been described in this gene and loss of function (LOF) appears to be the mechanism of pathogenicity (PMIDs: 9590180, 16415040, 12447395). This sequence change is predicted to affect normal splicing of the NBN gene and result in an abnormal protein. Collectively, this evidence indicates that this sequence change is likely pathogenic, however functional studies have not been performed to prove this conclusively.

Baylor Genetics
Classification: Likely pathogenic for Aplastic anemia. Last evaluated: 2024-03-12. Review status: criteria provided, single submitter. Criteria: ACMG Guidelines, 2015. Collection method: clinical testing. Allele origin: unknown.

Fulgent Genetics
Classification: Likely pathogenic for Microcephaly, normal intelligence and immunodeficiency; Aplastic anemia; Acute lymphoid leukemia. Last evaluated: 2024-01-17. Review status: criteria provided, single submitter. Criteria: ACMG Guidelines, 2015. Collection method: clinical testing. Allele origin: germline.

Ambry Genetics
Classification: Likely pathogenic for Hereditary cancer-predisposing syndrome. Last evaluated: 2024-01-10. Review status: criteria provided, single submitter. Criteria: Ambry Variant Classification Scheme 2023. Collection method: clinical testing. Allele origin: germline.
Comment: The c.481-2A>T intronic variant results from an A to T substitution two nucleotides upstream from coding exon 5 in the NBN gene. This nucleotide position is highly conserved in available vertebrate species. In silico splice site analysis predicts that this alteration will weaken the native splice acceptor site and may result in the creation or strengthening of a novel splice acceptor site; however, direct evidence is insufficient at this time (Ambry internal data). Alterations that disrupt the canonical splice site are expected to cause aberrant splicing, resulting in an abnormal protein or a transcript that is subject to nonsense-mediated mRNA decay. As such, this alteration is classified as likely pathogenic.

GeneDx
Classification: Likely pathogenic. Last evaluated: 2023-02-03. Review status: criteria provided, single submitter. Criteria: GeneDx Variant Classification Process June 2021. Collection method: clinical testing. Allele origin: germline. Affected: yes.
Comment: Canonical splice site variant predicted to result in a null allele in a gene for which loss of function is a known mechanism of disease; Not observed at significant frequency in large population cohorts (gnomAD); Observed in an individual with esophagogastric cancer (Ku et al., 2021); This variant is associated with the following publications: (PMID: 29922827, 16415040, 9590180, 34251444)

Quest Diagnostics Nichols Institute San Juan Capistrano
Classification: Likely pathogenic. Last evaluated: 2022-12-03. Review status: criteria provided, single submitter. Criteria: Quest Diagnostics criteria. Collection method: clinical testing. Allele origin: unknown.
Comment: This variant disrupts a canonical splice-acceptor site and is predicted to interfere with normal NBN mRNA splicing. The frequency of this variant in the general population, 0.000012 (3/250980 chromosomes), is uninformative in assessment of its pathogenicity. In the published literature, the variant has been reported in a homozygous state in an individual with stomach cancer (PMID: 34251444 (2021)). Based on the available information, this variant is classified as likely pathogenic.

Sema4
Classification: Likely pathogenic for Hereditary cancer-predisposing syndrome. Last evaluated: 2020-10-06. Review status: criteria provided, single submitter. Criteria: Sema4 Curation Guidelines. Collection method: curation. Allele origin: germline.
Comment: The NBN c.481-2A>T variant has been reported in at least one individual with prostate cancer (PMID: 32832836). This variant affects a nucleotide within a consensus splice site of an intron. This variant may cause exon skipping, intron retention or use of a cryptic splice site. It was observed in 2/10076 chromosomes of the Ashkenazi Jewish subpopulation in the large and broad cohorts of the Genome Aggregation Database (PMID: 32461654), and has been reported in ClinVar (Variation ID: 451148). Based on the current evidence available, this variant is interpreted as likely pathogenic.

Literature cited by the submitters: PubMed 29922827 (cited by Women's Health and Genetics/Laboratory Corporation of America, LabCorp); PubMed 36346689 (cited by Women's Health and Genetics/Laboratory Corporation of America, LabCorp); PubMed 38924040 (cited by Women's Health and Genetics/Laboratory Corporation of America, LabCorp); PubMed 36982687 (cited by Women's Health and Genetics/Laboratory Corporation of America, LabCorp); PubMed 34251444 (cited by Quest Diagnostics Nichols Institute San Juan Capistrano).